The following is an entry in ClinVar:

NM_001004356.3(FGFRL1):c.878A>G (p.Asn293Ser)

Gene: FGFRL1 (fibroblast growth factor receptor like 1; plus strand). Cytogenetic location: 4p16.3.
Variant type: single nucleotide variant.
Coding change: c.878A>G on transcript NM_001004356.3 (MANE Select); coding-DNA position 878, A replaced by G.
Protein change: p.Asn293Ser; replaces asparagine 293 with serine.
Molecular consequence: missense variant.
Genome position (GRCh38, 1-based): chr4:1,024,470, A>G. VCF-style: chr4-1024470-A-G. GRCh37 (hg19) VCF-style: chr4-1018258-A-G.
Other names: c.878A>G, p.Asn293Ser (NM_001004358.1, NM_001370296.1, NM_021923.3); short protein forms N293S.
Identifiers: ClinVar variation 1476397 (VCV001476397.8), dbSNP rs755880461, ClinGen allele CA2802897.

ClinVar aggregate classification (germline): Uncertain significance (1 of 4 stars; one submission).

Allele frequency attached by ClinVar (database versions not stated): gnomAD 0.00001; ExAC 0.00003.
gnomAD v4.1: 12 of 1,612,228 alleles (0.00074%); highest among the groups gnomAD compares: South Asian, 0.013%; no homozygotes.

Submission:

Labcorp Genetics (formerly Invitae), Labcorp
Classification: Uncertain significance. Last evaluated: 2023-04-09. Review status: criteria provided, single submitter. Criteria: Invitae Variant Classification Sherloc (09022015). Collection method: clinical testing. Allele origin: germline.
Comment: In summary, the available evidence is currently insufficient to determine the role of this variant in disease. Therefore, it has been classified as a Variant of Uncertain Significance. An algorithm developed to predict the effect of missense changes on protein structure and function (PolyPhen-2) suggests that this variant is likely to be disruptive. ClinVar contains an entry for this variant (Variation ID: 1476397). This variant has not been reported in the literature in individuals affected with FGFRL1-related conditions. This variant is present in population databases (rs755880461, gnomAD 0.02%). This sequence change replaces asparagine, which is neutral and polar, with serine, which is neutral and polar, at codon 293 of the FGFRL1 protein (p.Asn293Ser).